The following is an entry in ClinVar:

NM_022482.5(GZF1):c.1781C>T (p.Thr594Ile)

Gene: GZF1 (GDNF inducible zinc finger protein 1; plus strand). Cytogenetic location: 20p11.21.
Variant type: single nucleotide variant.
Coding change: c.1781C>T on transcript NM_022482.5 (MANE Select); coding-DNA position 1781, C replaced by T.
Protein change: p.Thr594Ile; replaces threonine 594 with isoleucine.
Molecular consequence: missense variant.
Genome position (GRCh38, 1-based): chr20:23,369,737, C>T. VCF-style: chr20-23369737-C-T. GRCh37 (hg19) VCF-style: chr20-23350374-C-T.
Other names: c.1781C>T, p.Thr594Ile (NM_001317012.2, NM_001317019.1); short protein forms T594I.
Identifiers: ClinVar variation 2068690 (VCV002068690.2), dbSNP rs149190577, ClinGen allele CA9788799.

ClinVar aggregate classification (germline): Uncertain significance (1 of 4 stars; one submission).

Allele frequency attached by ClinVar (database versions not stated): TOPMed 0.00006; ExAC 0.00009; gnomAD 0.00009; ESP Exome Variant Server 0.00015; gnomAD exomes 0.00026.
gnomAD v4.1: 386 of 1,608,154 alleles (0.024%); highest among the groups gnomAD compares: Non-Finnish European, 0.032%; no homozygotes.

Submission:

Labcorp Genetics (formerly Invitae), Labcorp
Classification: Uncertain significance. Last evaluated: 2022-11-29. Review status: criteria provided, single submitter. Criteria: Invitae Variant Classification Sherloc (09022015). Collection method: clinical testing. Allele origin: germline.
Comment: In summary, the available evidence is currently insufficient to determine the role of this variant in disease. Therefore, it has been classified as a Variant of Uncertain Significance. Algorithms developed to predict the effect of missense changes on protein structure and function are either unavailable or do not agree on the potential impact of this missense change (SIFT: "Not Available"; PolyPhen-2: "Possibly Damaging"; Align-GVGD: "Not Available"). This variant has not been reported in the literature in individuals affected with GZF1-related conditions. This variant is present in population databases (rs149190577, gnomAD 0.01%). This sequence change replaces threonine, which is neutral and polar, with isoleucine, which is neutral and non-polar, at codon 594 of the GZF1 protein (p.Thr594Ile).